The following is an entry in ClinVar:

NM_001267550.2(TTN):c.29421-30T>A

Gene: TTN (titin; minus strand). Cytogenetic location: 2q31.2.
Variant type: single nucleotide variant.
Coding change: c.29421-30T>A on transcript NM_001267550.2 (MANE Select); 30 bases into the intron before coding-DNA position 29421, T replaced by A.
Molecular consequence: intron variant.
Genome position (GRCh38, 1-based): chr2:178,705,387, A>T on the plus strand (T>A on the coding strand, the complement: TTN is on the minus strand). VCF-style: chr2-178705387-A-T. GRCh37 (hg19) VCF-style: chr2-179570114-A-T.
Other names: c.13282+32695T>A (NM_003319.4); c.13858+32695T>A (NM_133437.4); c.13657+32695T>A (NM_133432.3); c.25689-30T>A (NM_133378.4); c.28470-30T>A (NM_001256850.1).
Identifiers: ClinVar variation 671272 (VCV000671272.2), dbSNP rs2742342, ClinGen allele CA1999383.

ClinVar aggregate classification (germline): Benign. Review status: criteria provided, multiple submitters, no conflicts (2 of 4 stars). 2 submissions from 2 submitters: Benign (2). Last evaluated 2018-06-14.

Allele frequency attached by ClinVar (database versions not stated): gnomAD exomes 0.03207 and 0.05609; ESP Exome Variant Server 0.04203; gnomAD 0.05475 and 0.05527; TOPMed 0.05829; ExAC 0.06258; 1000 Genomes Project 30x 0.08385; 1000 Genomes Project 0.08666.
gnomAD v4.1: 50,497 of 1,454,396 alleles (3.5%); highest among the groups gnomAD compares: East Asian, 19%; 1,699 homozygotes.

Submissions (2):

GeneDx
Classification: Benign. Last evaluated: 2018-06-14. Review status: criteria provided, single submitter. Criteria: GeneDx Variant Classification (06012015). Collection method: clinical testing. Allele origin: germline. Affected: yes.
Comment: This variant is considered likely benign or benign based on one or more of the following criteria: it is a conservative change, it occurs at a poorly conserved position in the protein, it is predicted to be benign by multiple in silico algorithms, and/or has population frequency not consistent with disease.

Breakthrough Genomics
Classification: Benign. Review status: criteria provided, single submitter. Criteria: ACMG Guidelines, 2015. Collection method: not provided. Allele origin: germline. Inheritance: Autosomal recessive inheritance. Affected: yes.